The following is an entry in ClinVar:

ClinVar aggregate classification (germline): Likely benign. Review status: criteria provided, multiple submitters, no conflicts (2 of 4 stars). 2 submissions from 2 submitters: Likely benign (2). Last evaluated 2026-09-22.

Conditions:
Neurofibromatosis, type 1 (NF1). Also called: VON RECKLINGHAUSEN DISEASE; NEUROFIBROMATOSIS, TYPE I, SOMATIC; Peripheral type neurofibromatosis; Neurofibromatosis, type I. Identifiers: Orphanet 636, MedGen C0027831, MONDO:0018975, OMIM 162200. Disease mechanism: loss of function.

Submissions (2):

Myriad Genetics, Inc.
Classification: Likely benign for Neurofibromatosis, type 1. Last evaluated: 2026-09-22. Review status: criteria provided, single submitter. Criteria: Myriad Autosomal Dominant, Autosomal Recessive and X-Linked Classification Criteria (2023). Collection method: clinical testing. Allele origin: unknown.
Comment: This variant is considered likely benign. This variant is intronic and is not expected to impact mRNA splicing.

Labcorp Genetics (formerly Invitae), Labcorp
Classification: Likely benign for Neurofibromatosis, type 1. Last evaluated: 2026-01-11. Review status: criteria provided, single submitter. Criteria: Invitae Variant Classification Sherloc (09022015). Collection method: clinical testing. Allele origin: germline.

NM_001042492.3(NF1):c.2410-17A>G

Gene: NF1 (neurofibromin 1; plus strand). Cytogenetic location: 17q11.2.
Variant type: single nucleotide variant.
Coding change: c.2410-17A>G on transcript NM_001042492.3 (MANE Select); 17 bases into the intron before coding-DNA position 2410, A replaced by G.
Molecular consequence: intron variant.
Genome position (GRCh38, 1-based): chr17:31,229,008, A>G. VCF-style: chr17-31229008-A-G. GRCh37 (hg19) VCF-style: chr17-29556026-A-G.
Other names: c.2410-17A>G (NM_000267.4).
Identifiers: ClinVar variation 4754152 (VCV004754152.2).